The following is an entry in ClinVar:

ClinVar aggregate classification (germline): Uncertain significance (1 of 4 stars; one submission).

Conditions:
Familial acute necrotizing encephalopathy (IIAE3). Also called: Susceptibility to Acute Necrotizing Encephalopathy 1; ENCEPHALOPATHY, ACUTE, INFECTION-INDUCED, SUSCEPTIBILITY TO, 3. Identifiers: Orphanet 88619, MedGen C2675556, MONDO:0011953, OMIM 608033.

Allele frequency attached by ClinVar (database versions not stated): ExAC 0.00001; gnomAD 0.00001; gnomAD exomes 0.00001.
gnomAD v4.1: 6 of 1,611,384 alleles (0.00037%); highest among the groups gnomAD compares: Non-Finnish European, 0.00051%; no homozygotes.

Submission:

Labcorp Genetics (formerly Invitae), Labcorp
Classification: Uncertain significance for Familial acute necrotizing encephalopathy. Last evaluated: 2019-04-02. Review status: criteria provided, single submitter. Criteria: Invitae Variant Classification Sherloc (09022015). Collection method: clinical testing. Allele origin: germline.
Comment: In summary, the available evidence is currently insufficient to determine the role of this variant in disease. Therefore, it has been classified as a Variant of Uncertain Significance. Algorithms developed to predict the effect of missense changes on protein structure and function are either unavailable or do not agree on the potential impact of this missense change (SIFT: "Deleterious"; PolyPhen-2: "Benign"; Align-GVGD: "Class C65"). This variant has not been reported in the literature in individuals with RANBP2-related conditions. The frequency data for this variant in the population databases is considered unreliable, as metrics indicate poor data quality at this position in the ExAC database. This sequence change replaces lysine with asparagine at codon 99 of the RANBP2 protein (p.Lys99Asn). The lysine residue is highly conserved and there is a moderate physicochemical difference between lysine and asparagine.

NM_006267.5(RANBP2):c.297G>T (p.Lys99Asn)

Gene: RANBP2 (RAN binding protein 2; plus strand). Cytogenetic location: 2q13.
Variant type: single nucleotide variant.
Coding change: c.297G>T on transcript NM_006267.5 (MANE Select); coding-DNA position 297, G replaced by T.
Protein change: p.Lys99Asn; replaces lysine 99 with asparagine.
Molecular consequence: missense variant.
Genome position (GRCh38, 1-based): chr2:108,731,366, G>T. VCF-style: chr2-108731366-G-T. GRCh37 (hg19) VCF-style: chr2-109347822-G-T.
Other names: short protein forms K99N.
Identifiers: ClinVar variation 659233 (VCV000659233.8), dbSNP rs778799923, ClinGen allele CA1821998.